The following is an entry in ClinVar:

NM_006080.3(SEMA3A):c.1518G>A (p.Thr506=)

Gene: SEMA3A (semaphorin 3A; minus strand). Cytogenetic location: 7q21.11.
Variant type: single nucleotide variant.
Coding change: c.1518G>A on transcript NM_006080.3 (MANE Select); coding-DNA position 1518, G replaced by A.
Protein change: p.Thr506=; no amino-acid change (threonine 506 retained).
Molecular consequence: synonymous variant.
Genome position (GRCh38, 1-based): chr7:83,981,455, C>T on the plus strand (G>A on the coding strand, the complement: SEMA3A is on the minus strand). VCF-style: chr7-83981455-C-T. GRCh37 (hg19) VCF-style: chr7-83610771-C-T.
Identifiers: ClinVar variation 3357345 (VCV003357345.4).

ClinVar aggregate classification (germline): Conflicting classifications of pathogenicity. Review status: criteria provided, conflicting classifications (1 of 4 stars). 2 submissions from 2 submitters: Uncertain significance (1); Likely benign (1). Last evaluated 2026-07-01.

Conditions:
SEMA3A-related disorder. Also called: SEMA3A-related condition.

gnomAD v4.1: 15 of 1,611,840 alleles (0.00093%); highest among the groups gnomAD compares: Admixed American, 0.01%; no homozygotes.

Submissions (2):

PreventionGenetics, part of Exact Sciences
Classification: Uncertain significance for SEMA3A-related condition. Last evaluated: 2026-07-01. Review status: criteria provided, single submitter. Criteria: ACMG Guidelines, 2015. Collection method: clinical testing. Allele origin: germline.
Comment: The SEMA3A c.1518G>A variant is not predicted to result in an amino acid change (p.=). This variant is predicted to impact splicing based on available splicing prediction programs (SpliceAI, Jaganathan et al. 2019. PubMed ID: 30661751). However, the use of computer prediction programs is not equivalent to functional evidence. To our knowledge, this variant has not been reported in the literature. This variant is reported in 0.0029% of alleles in individuals of Latino descent in gnomAD. At this time, the clinical significance of this variant is uncertain due to the absence of conclusive functional and genetic evidence.

Labcorp Genetics (formerly Invitae), Labcorp
Classification: Likely benign. Last evaluated: 2025-12-26. Review status: criteria provided, single submitter. Criteria: Invitae Variant Classification Sherloc (09022015). Collection method: clinical testing. Allele origin: germline.